The following is an entry in ClinVar:

NM_001715.3(BLK):c.1065T>C (p.Asn355=)

Gene: BLK (BLK proto-oncogene, Src family tyrosine kinase). Cytogenetic location: 8p23.1.
Variant type: single nucleotide variant.
Coding change: c.1065T>C on transcript NM_001715.3 (MANE Select); coding-DNA position 1065, T replaced by C.
Protein change: p.Asn355=; no amino-acid change (asparagine 355 retained).
Molecular consequence: synonymous variant.
Genome position (GRCh38, 1-based): chr8:11,561,337, T>C. VCF-style: chr8-11561337-T-C. GRCh37 (hg19) VCF-style: chr8-11418846-T-C.
Other names: c.852T>C, p.Asn284= (NM_001330465.2).
Identifiers: ClinVar variation 3032124 (VCV003032124.2), dbSNP rs139119999, ClinGen allele CA4630360.

ClinVar aggregate classification (germline): Likely benign (0 of 4 stars; one submission).

Conditions:
BLK-related disorder. Also called: BLK-related condition.

Allele frequency attached by ClinVar (database versions not stated): gnomAD exomes 0.00001; ExAC 0.00006; ESP Exome Variant Server 0.00015; TOPMed 0.00018; gnomAD 0.00021.
gnomAD v4.1: 46 of 1,613,932 alleles (0.0029%); highest among the groups gnomAD compares: African/African-American, 0.047%; 1 homozygote.

Submission:

PreventionGenetics, part of Exact Sciences
Classification: Likely benign for BLK-related condition. Last evaluated: 2022-07-25. Review status: no assertion criteria provided. Collection method: clinical testing. Allele origin: germline.
Comment: This variant is classified as likely benign based on ACMG/AMP sequence variant interpretation guidelines (Richards et al. 2015 PMID: 25741868, with internal and published modifications).